The following is an entry in ClinVar:

ClinVar aggregate classification (germline): Likely pathogenic (1 of 4 stars; one submission).

Conditions:
Hereditary cancer-predisposing syndrome. Also called: Hereditary Cancer Syndrome; Tumor predisposition; Hereditary neoplastic syndrome; Neoplastic Syndromes, Hereditary. Identifiers: Orphanet 140162, MedGen C0027672, MeSH D009386, MONDO:0015356.

Submission:

Ambry Genetics
Classification: Likely pathogenic for Hereditary cancer-predisposing syndrome. Last evaluated: 2025-04-07. Review status: criteria provided, single submitter. Criteria: Ambry Variant Classification Scheme 2023. Collection method: clinical testing. Allele origin: germline.
Comment: The p.L2987R variant (also known as c.8960T>G), located in coding exon 22 of the BRCA2 gene, results from a T to G substitution at nucleotide position 8960. The leucine at codon 2987 is replaced by arginine, an amino acid with dissimilar properties. Two saturation genome editing-based studies, including a haploid cell-survival assay and a humanized mouse embryonic stem cell line assay of drug response and survival, demonstrate that this nucleotide substitution is non-functional (Huang H et al. Nature, 2025 Feb;638:528-537; Sahu S et al. Nature, 2025 Feb;638:538-545). This amino acid position is highly conserved in available vertebrate species. In addition, this alteration is predicted to be deleterious by in silico analysis. This variant is considered to be rare based on population cohorts in the Genome Aggregation Database (gnomAD). Based on the majority of available evidence to date, this variant is likely to be pathogenic.

Literature cited by the submitters: PubMed 39779848; PubMed 39779857.

NM_000059.4(BRCA2):c.8960T>G (p.Leu2987Arg)

Gene: BRCA2 (BRCA2 DNA repair associated; plus strand). Cytogenetic location: 13q13.1.
Variant type: single nucleotide variant.
Coding change: c.8960T>G on transcript NM_000059.4 (MANE Select); coding-DNA position 8960, T replaced by G.
Protein change: p.Leu2987Arg; replaces leucine 2987 with arginine.
Molecular consequence: missense variant. On other transcripts: non-coding transcript variant (1), intron variant (1).
Genome position (GRCh38, 1-based): chr13:32,379,756, T>G. VCF-style: chr13-32379756-T-G. GRCh37 (hg19) VCF-style: chr13-32953893-T-G.
Other names: c.8864T>G, p.Leu2955Arg (NM_001406719.1); c.4028T>G, p.Leu1343Arg (NM_001406721.1); c.2543T>G, p.Leu848Arg (NM_001406722.1); c.8954-45T>G (NM_001406720.1); short protein forms L2955R, L2987R, L848R, L1343R.
Identifiers: ClinVar variation 3261636 (VCV003261636.2).
Genomic context (GRCh38, chr13:32,379,756, plus strand): 5'-ATTTAAATGATAATCACTTCTTCCATTGCATCTTTCTCATCTTTCTCCAAACAGTTATAC[T>G]GAGTATTTGGCGTCCATCATCAGATTTATATTCTCTGTTAACAGAAGGAAAGAGATACAG-3'
Protein context (NP_000050.3, residues 2977-2997): YSKKEKDSVI[Leu2987Arg]SIWRPSSDLY